The following is an entry in ClinVar:

NM_001100913.3(PACS2):c.2647G>A (p.Ala883Thr)

Gene: PACS2 (phosphofurin acidic cluster sorting protein 2; plus strand). Cytogenetic location: 14q32.33.
Variant type: single nucleotide variant.
Coding change: c.2647G>A on transcript NM_001100913.3 (MANE Select); coding-DNA position 2647, G replaced by A.
Protein change: p.Ala883Thr; replaces alanine 883 with threonine.
Molecular consequence: missense variant.
Genome position (GRCh38, 1-based): chr14:105,394,604, G>A. VCF-style: chr14-105394604-G-A. GRCh37 (hg19) VCF-style: chr14-105860941-G-A.
Other names: c.2377G>A, p.Ala793Thr (NM_001243127.3); c.2602G>A, p.Ala868Thr (NM_015197.4); short protein forms A793T, A868T, A883T.
Identifiers: ClinVar variation 1341720 (VCV001341720.7), dbSNP rs367840030, ClinGen allele CA7389364.
Genomic context (GRCh38, chr14:105,394,604, plus strand): 5'-TCTCCCACAGTCCTCATCGACGGCGTGGAGTGCAGCGACGTCAAGTTCTTCCAGCTGGCC[G>A]CGCAGTGGTCCTCGCACGTGAAGCACTTCCCCATCTGCATCTTCGGACACTCCAAGGCCA-3'
Protein context (NP_001094383.2, residues 873-893): CSDVKFFQLA[Ala883Thr]QWSSHVKHFP

ClinVar aggregate classification (germline): Uncertain significance. Review status: criteria provided, multiple submitters, no conflicts (2 of 4 stars). 2 submissions from 2 submitters: Uncertain significance (2). Last evaluated 2025-09-27.

Conditions:
Developmental and epileptic encephalopathy, 66. Also called: EPILEPTIC ENCEPHALOPATHY, EARLY INFANTILE, 66. Identifiers: MedGen C4748070, MONDO:0054845, OMIM 618067.

Allele frequency attached by ClinVar (database versions not stated): gnomAD exomes 0.00001 and 0.00004; ExAC 0.00002; TOPMed 0.00002; gnomAD 0.00003; ESP Exome Variant Server 0.00008.
gnomAD v4.1: 20 of 1,613,316 alleles (0.0012%); highest among the groups gnomAD compares: South Asian, 0.0055%; no homozygotes.

Submissions (2):

Labcorp Genetics (formerly Invitae), Labcorp
Classification: Uncertain significance. Last evaluated: 2025-09-27. Review status: criteria provided, single submitter. Criteria: Invitae Variant Classification Sherloc (09022015). Collection method: clinical testing. Allele origin: germline.
Comment: This sequence change replaces alanine, which is neutral and non-polar, with threonine, which is neutral and polar, at codon 883 of the PACS2 protein (p.Ala883Thr). This variant is present in population databases (rs367840030, gnomAD 0.01%). This variant has not been reported in the literature in individuals affected with PACS2-related conditions. ClinVar contains an entry for this variant (Variation ID: 1341720). Invitae Evidence Modeling of protein sequence and biophysical properties (such as structural, functional, and spatial information, amino acid conservation, physicochemical variation, residue mobility, and thermodynamic stability) indicates that this missense variant is expected to disrupt PACS2 protein function with a positive predictive value of 80%. In summary, the available evidence is currently insufficient to determine the role of this variant in disease. Therefore, it has been classified as a Variant of Uncertain Significance.

New York Genome Center
Classification: Uncertain significance for Developmental and epileptic encephalopathy, 66. Last evaluated: 2020-06-12. Review status: criteria provided, single submitter. Criteria: NYGC Assertion Criteria 2020. Collection method: clinical testing. Allele origin: germline. Observed: 1 heterozygote. Study: CSER-NYCKidSeq.